The following is an entry in ClinVar:

NM_017849.4(TMEM127):c.257dup (p.Asn86fs)

Gene: TMEM127 (transmembrane protein 127; minus strand). Cytogenetic location: 2q11.2.
Variant type: Duplication.
Coding change: c.257dup on transcript NM_017849.4 (MANE Select); coding-DNA position 257, one base duplicated (A; older notation c.257dupA).
Protein change: p.Asn86fs; shifts the reading frame from asparagine 86.
Molecular consequence: frameshift variant.
Genome position (GRCh38, 1-based): chr2:96,254,985, T duplicated on the plus strand (A on the coding strand, the reverse complement: TMEM127 is on the minus strand); the first of 2 consecutive T bases (chr2:96,254,985-96,254,986); duplicating either gives the same sequence. VCF-style (leftmost placement, unchanged base first): chr2-96254984-A-AT. GRCh37 (hg19) VCF-style: chr2-96920722-A-AT.
Other names: c.257dup, p.Asn86fs (NM_001193304.3); c.5dup, p.Asn2fs (NM_001407282.1, NM_001407283.1); c.257dupA (NM_017849.3); short protein forms N2fs, N86fs.
Identifiers: ClinVar variation 3969898 (VCV003969898.2).

ClinVar aggregate classification (germline): Pathogenic. Review status: criteria provided, multiple submitters, no conflicts (2 of 4 stars). 2 submissions from 2 submitters: Pathogenic (2). Last evaluated 2025-07-21.

Conditions:
Hereditary pheochromocytoma and paraganglioma. Also called: Hereditary Paraganglioma-Pheochromocytoma Syndromes; Hereditary paragangliomas and pheochromocytomas; Hereditary pheochromocytoma-paraganglioma. Identifiers: Orphanet 29072, MedGen C4274332, MONDO:0017366.
Hereditary cancer-predisposing syndrome. Also called: Neoplastic Syndromes, Hereditary; Tumor predisposition; Hereditary neoplastic syndrome; Hereditary Cancer Syndrome. Identifiers: Orphanet 140162, MedGen C0027672, MeSH D009386, MONDO:0015356.

Submissions (2):

Labcorp Genetics (formerly Invitae), Labcorp
Classification: Pathogenic for Hereditary pheochromocytoma and paraganglioma. Last evaluated: 2025-07-21. Review status: criteria provided, single submitter. Criteria: Invitae Variant Classification Sherloc (09022015). Collection method: clinical testing. Allele origin: germline.
Comment: This sequence change creates a premature translational stop signal (p.Asn86Lysfs*22) in the TMEM127 gene. It is expected to result in an absent or disrupted protein product. Loss-of-function variants in TMEM127 are known to be pathogenic (PMID: 20154675, 21156949). This variant is not present in population databases (gnomAD no frequency). This variant has not been reported in the literature in individuals affected with TMEM127-related conditions. For these reasons, this variant has been classified as Pathogenic.

Ambry Genetics
Classification: Pathogenic for Hereditary cancer-predisposing syndrome. Last evaluated: 2025-03-26. Review status: criteria provided, single submitter. Criteria: Ambry Variant Classification Scheme 2023. Collection method: clinical testing. Allele origin: germline.
Comment: The c.257dupA pathogenic mutation, located in coding exon 2 of the TMEM127 gene, results from a duplication of A at nucleotide position 257, causing a translational frameshift with a predicted alternate stop codon (p.N86Kfs*22). This variant is considered to be rare based on population cohorts in the Genome Aggregation Database (gnomAD). This alteration is expected to result in loss of function by premature protein truncation or nonsense-mediated mRNA decay. As such, this alteration is interpreted as a disease-causing mutation.

Literature cited by the submitters: PubMed 20154675 (cited by Labcorp Genetics (formerly Invitae), Labcorp); PubMed 21156949 (cited by Labcorp Genetics (formerly Invitae), Labcorp).